The following is an entry in ClinVar:

ClinVar aggregate classification (germline): Pathogenic (1 of 4 stars; one submission).

Submission:

Labcorp Genetics (formerly Invitae), Labcorp
Classification: Pathogenic. Last evaluated: 2024-11-18. Review status: criteria provided, single submitter. Criteria: Invitae Variant Classification Sherloc (09022015). Collection method: clinical testing. Allele origin: germline.
Comment: This sequence change creates a premature translational stop signal (p.Leu85Thrfs*21) in the SPART gene. It is expected to result in an absent or disrupted protein product. Loss-of-function variants in SPART are known to be pathogenic (PMID: 18413476, 20437587, 20504295). This variant is not present in population databases (gnomAD no frequency). This variant has not been reported in the literature in individuals affected with SPART-related conditions. For these reasons, this variant has been classified as Pathogenic.

Literature cited by the submitters: PubMed 18413476; PubMed 20437587; PubMed 20504295.

NM_015087.5(SPART):c.253_254del (p.Leu85fs)

Gene: SPART (spartin; minus strand). Cytogenetic location: 13q13.3.
Variant type: Microsatellite.
Coding change: c.253_254del on transcript NM_015087.5 (MANE Select); coding-DNA positions 253 to 254, 2 bases deleted (CT; older notation c.253_254delCT).
Protein change: p.Leu85fs; shifts the reading frame from leucine 85.
Molecular consequence: frameshift variant.
Genome position (GRCh38, 1-based): chr13:36,335,577-36,335,578, AG deleted on the plus strand (CT on the coding strand, the reverse complement: SPART is on the minus strand); deleting any 2 consecutive bases within chr13:36,335,577-36,335,580 gives the same sequence; the c. name uses the placement nearest the transcript's 3' end. VCF-style (leftmost placement, unchanged base first): chr13-36335576-TAG-T. GRCh37 (hg19) VCF-style: chr13-36909713-TAG-T.
Other names: c.253_254del, p.Leu85fs (NM_001142294.2, NM_001142295.2, NM_001142296.2); short protein forms L85fs.
Identifiers: ClinVar variation 3706426 (VCV003706426.2).